The following is an entry in ClinVar:

NM_000059.4(BRCA2):c.1053dup (p.Tyr352fs)

Gene: BRCA2 (BRCA2 DNA repair associated; plus strand). Cytogenetic location: 13q13.1.
Variant type: Duplication.
Coding change: c.1053dup on transcript NM_000059.4 (MANE Select); coding-DNA position 1053, one base duplicated (A; older notation c.1053dupA).
Protein change: p.Tyr352fs; shifts the reading frame from tyrosine 352.
Molecular consequence: frameshift variant.
Genome position (GRCh38, 1-based): chr13:32,332,531, A duplicated; the last of 5 consecutive A bases (chr13:32,332,527-32,332,531); duplicating any one gives the same sequence. VCF-style (leftmost placement, unchanged base first): chr13-32332526-G-GA. GRCh37 (hg19) VCF-style: chr13-32906663-G-GA.
Other names: 1281dupA; short protein forms Y352fs.
Identifiers: ClinVar variation 266604 (VCV000266604.13), dbSNP rs886040342, ClinGen allele CA10589068.
Genomic context (GRCh38, chr13:32,332,526, plus strand): 5'-AAAAAAATTTTCCATGAAGCAAACGCTGATGAATGTGAAAAATCTAAAAACCAAGTGAAA[G>GA]AAAAATACTCATTTGTATCTGAAGTGGAACCAAATGATACTGATCCATTAGATTCAAATG-3'

ClinVar aggregate classification (germline): Pathogenic. Review status: reviewed by expert panel (3 of 4 stars). 3 submissions from 3 submitters: Pathogenic (1). 2 of the submissions do not count toward it. Last evaluated 2016-10-18.

Conditions:
Hereditary breast ovarian cancer syndrome. Also called: Hereditary breast and ovarian cancer; Hereditary breast and ovarian cancer syndrome (HBOC); Hereditary breast and/or ovarian cancer syndrome; Breast and ovarian cancer; Hereditary breast and ovarian cancer syndrome; BRCA1- and BRCA2-Associated Hereditary Breast and Ovarian Cancer. Identifiers: Orphanet 145, MedGen C0677776, MeSH D061325, MONDO:0003582. Disease mechanism: loss of function.
Breast-ovarian cancer, familial, susceptibility to, 2 (BROVCA2). Also called: BRCA2 Hereditary Breast and Ovarian Cancer. Identifiers: Orphanet 145, MedGen C2675520, MONDO:0012933, OMIM 612555. Disease mechanism: loss of function.

Submissions (3):

Evidence-based Network for the Interpretation of Germline Mutant Alleles (ENIGMA)
Classification: Pathogenic for Breast-ovarian cancer, familial, susceptibility to, 2. Last evaluated: 2016-10-18. Review status: reviewed by expert panel. Criteria: ENIGMA BRCA1/2 Classification Criteria (2015). Collection method: curation. Allele origin: germline.
Comment: Variant allele predicted to encode a truncated non-functional protein.

Labcorp Genetics (formerly Invitae), Labcorp
Classification: Pathogenic for Hereditary breast ovarian cancer syndrome. Last evaluated: 2024-09-14. Review status: criteria provided, single submitter. Criteria: Invitae Variant Classification Sherloc (09022015). Collection method: clinical testing. Allele origin: germline. Not counted in ClinVar's aggregate classification.
Comment: This sequence change creates a premature translational stop signal (p.Tyr352Ilefs*6) in the BRCA2 gene. It is expected to result in an absent or disrupted protein product. Loss-of-function variants in BRCA2 are known to be pathogenic (PMID: 20104584). This variant is not present in population databases (gnomAD no frequency). This premature translational stop signal has been observed in individual(s) with hereditary breast and/or ovarian cancer (PMID: 27062684). ClinVar contains an entry for this variant (Variation ID: 266604). For these reasons, this variant has been classified as Pathogenic.

Consortium of Investigators of Modifiers of BRCA1/2 (CIMBA), c/o University of Cambridge
Classification: Pathogenic for Breast-ovarian cancer, familial, susceptibility to, 2. Last evaluated: 2015-10-02. Review status: criteria provided, single submitter. Criteria: CIMBA Mutation Classification guidelines May 2016. Collection method: clinical testing. Allele origin: germline. Not counted in ClinVar's aggregate classification.

Literature cited by the submitters: PubMed 20104584 (cited by Labcorp Genetics (formerly Invitae), Labcorp); PubMed 27062684 (cited by Labcorp Genetics (formerly Invitae), Labcorp).